The following is an entry in ClinVar:

NM_025132.4(WDR19):c.186G>C (p.Trp62Cys)

Gene: WDR19 (WD repeat domain 19; plus strand). Cytogenetic location: 4p14.
Variant type: single nucleotide variant.
Coding change: c.186G>C on transcript NM_025132.4 (MANE Select); coding-DNA position 186, G replaced by C.
Protein change: p.Trp62Cys; replaces tryptophan 62 with cysteine.
Molecular consequence: missense variant. On other transcripts: 5 prime UTR variant (1).
Genome position (GRCh38, 1-based): chr4:39,189,677, G>C. VCF-style: chr4-39189677-G-C. GRCh37 (hg19) VCF-style: chr4-39191297-G-C.
Other names: c.-179G>C (NM_001317924.2); short protein forms W62C.
Identifiers: ClinVar variation 1484439 (VCV001484439.6), dbSNP rs2109250538, ClinGen allele CA356631401.
Genomic context (GRCh38, chr4:39,189,677, plus strand): 5'-AAAAACTGTATAGTGGTATTTTGCTCTCTTTTTTAAAAGTAACTGTGTTGCCATGGATTG[G>C]GATAAAGATGGAGATGTCCTAGCAGTGATTGCTGAGAAATCTAGCTGCATTTATCTTTGG-3'
Protein context (NP_079408.3, residues 52-72): NLPGNCVAMD[Trp62Cys]DKDGDVLAVI

ClinVar aggregate classification (germline): Uncertain significance (1 of 4 stars; one submission).

Conditions:
Asphyxiating thoracic dystrophy 5 (SRTD5). Also called: SHORT-RIB THORACIC DYSPLASIA 5 WITH OR WITHOUT POLYDACTYLY; SHORT-RIB THORACIC DYSPLASIA 5 WITHOUT POLYDACTYLY. Identifiers: Orphanet 474, MedGen C3280598, MONDO:0013717, OMIM 614376.
Senior-Loken syndrome 8 (SLSN8). Identifiers: Orphanet 3156, MedGen C4225376, MONDO:0014579, OMIM 616307.

Submission:

Labcorp Genetics (formerly Invitae), Labcorp
Classification: Uncertain significance for Senior-Loken syndrome 8; Asphyxiating thoracic dystrophy 5. Last evaluated: 2022-06-27. Review status: criteria provided, single submitter. Criteria: Invitae Variant Classification Sherloc (09022015). Collection method: clinical testing. Allele origin: germline.
Comment: In summary, the available evidence is currently insufficient to determine the role of this variant in disease. Therefore, it has been classified as a Variant of Uncertain Significance. Algorithms developed to predict the effect of missense changes on protein structure and function (SIFT, PolyPhen-2, Align-GVGD) all suggest that this variant is likely to be disruptive. This variant has not been reported in the literature in individuals affected with WDR19-related conditions. This variant is not present in population databases (gnomAD no frequency). This sequence change replaces tryptophan, which is neutral and slightly polar, with cysteine, which is neutral and slightly polar, at codon 62 of the WDR19 protein (p.Trp62Cys).